The following is an entry in ClinVar:

ClinVar aggregate classification (germline): Uncertain significance (1 of 4 stars; one submission).

Conditions:
Nephropathic cystinosis (CTNS). Also called: Abderhalden Lignac Kaufmann disease; Abderhalden-Kaufmann-Lignac syndrome; CYSTINOSIN, DEFECT OF; LYSOSOMAL CYSTINE TRANSPORT PROTEIN, DEFECT OF. Identifiers: Orphanet 213, Orphanet 411629, MedGen C2931187, MONDO:0100151, OMIM 219800.

gnomAD v4.1: 1 of 1,611,940 alleles (0.000062%); no homozygotes.

Submission:

Neuberg Centre For Genomic Medicine, NCGM
Classification: Uncertain significance for Nephropathic cystinosis. Review status: criteria provided, single submitter. Criteria: ACMG Guidelines, 2015. Collection method: clinical testing. Allele origin: germline. Affected: yes.
Comment: The missense variant p.K280T in CTNS (NM_004937.3) has not been reported previously in affected patients. Another missense mutation affecting the same amino acid residue Lys280Arg has been reported previously in patients with Juvenile cystinosis (Cherqui S et al). The p.K280T variant is novel (not in any individuals) in gnomAD Exomes and is novel (not in any individuals) in 1000 Genomes.The p.K280T missense variant is predicted to be damaging by both SIFT and PolyPhen2. The nucleotide c.839 in CTNS is predicted conserved by GERP++ and PhyloP across 100 vertebrates. For these reasons, this variant has been classified as Uncertain Significance

NM_004937.3(CTNS):c.839A>C (p.Lys280Thr)

Gene: CTNS (cystinosin, lysosomal cystine transporter; plus strand). Cytogenetic location: 17p13.2.
Variant type: single nucleotide variant.
Coding change: c.839A>C on transcript NM_004937.3 (MANE Select); coding-DNA position 839, A replaced by C.
Protein change: p.Lys280Thr; replaces lysine 280 with threonine.
Molecular consequence: missense variant.
Genome position (GRCh38, 1-based): chr17:3,658,162, A>C. VCF-style: chr17-3658162-A-C. GRCh37 (hg19) VCF-style: chr17-3561456-A-C.
Other names: c.839A>C, p.Lys280Thr (NM_001031681.3, NM_001374492.1); c.398A>C, p.Lys133Thr (NM_001374493.1, NM_001374494.1, NM_001374495.1 and 1 more transcripts); short protein forms K133T, K280T.
Identifiers: ClinVar variation 1339138 (VCV001339138.2), dbSNP rs2150925451, ClinGen allele CA397692733.